The following is an entry in ClinVar:

NM_000170.3(GLDC):c.2843C>G (p.Ser948Cys)

Gene: GLDC (glycine decarboxylase; minus strand). Cytogenetic location: 9p24.1.
Variant type: single nucleotide variant.
Coding change: c.2843C>G on transcript NM_000170.3 (MANE Select); coding-DNA position 2843, C replaced by G.
Protein change: p.Ser948Cys; replaces serine 948 with cysteine.
Molecular consequence: missense variant.
Genome position (GRCh38, 1-based): chr9:6,534,784, G>C on the plus strand (C>G on the coding strand, the complement: GLDC is on the minus strand). VCF-style: chr9-6534784-G-C. GRCh37 (hg19) VCF-style: chr9-6534784-G-C.
Other names: short protein forms S948C.
Identifiers: ClinVar variation 1355785 (VCV001355785.3), dbSNP rs1817084329, ClinGen allele CA372882208.
Genomic context (GRCh38, chr9:6,534,784, plus strand): 5'-ACCTCTCTGGAATAAGGCCGGTCCCAGTGGGAAGATGTAACGCAGGTCAGGGAGTGTGGA[G>C]ACATCTGAGACAGAGACACGGACAGAGGAGGGGTCAGAGCAATACACTCTCTTCTCCTCC-3'
Protein context (NP_000161.2, residues 938-958): IDPRVNPLKM[Ser948Cys]PHSLTCVTSS

ClinVar aggregate classification (germline): Uncertain significance (1 of 4 stars; one submission).

Conditions:
Glycine encephalopathy. Also called: Non-ketotic hyperglycinemia; Nonketotic hyperglycinemia. Identifiers: Orphanet 407, MedGen C0751748, MONDO:0011612, HP:0008288.

Allele frequency attached by ClinVar (database versions not stated): TOPMed below 0.00001.

Submission:

Labcorp Genetics (formerly Invitae), Labcorp
Classification: Uncertain significance for Glycine encephalopathy. Last evaluated: 2022-07-12. Review status: criteria provided, single submitter. Criteria: Invitae Variant Classification Sherloc (09022015). Collection method: clinical testing. Allele origin: germline.
Comment: This sequence change replaces serine, which is neutral and polar, with cysteine, which is neutral and slightly polar, at codon 948 of the GLDC protein (p.Ser948Cys). This variant is not present in population databases (gnomAD no frequency). This variant has not been reported in the literature in individuals affected with GLDC-related conditions. ClinVar contains an entry for this variant (Variation ID: 1355785). Algorithms developed to predict the effect of missense changes on protein structure and function are either unavailable or do not agree on the potential impact of this missense change (SIFT: "Deleterious"; PolyPhen-2: "Possibly Damaging"; Align-GVGD: "Class C0"). In summary, the available evidence is currently insufficient to determine the role of this variant in disease. Therefore, it has been classified as a Variant of Uncertain Significance.